The following is an entry in ClinVar:

ClinVar aggregate classification (germline): Pathogenic (1 of 4 stars; one submission).

Conditions:
Medium-chain acyl-coenzyme A dehydrogenase deficiency (ACADMD). Also called: ACADM DEFICIENCY; CARNITINE DEFICIENCY SECONDARY TO MEDIUM-CHAIN ACYL-CoA DEHYDROGENASE DEFICIENCY; MCADH DEFICIENCY; MCADD; Medium chain acyl-CoA dehydrogenase deficiency; MCAD Deficiency. Identifiers: Orphanet 42, MedGen C0220710, MONDO:0008721, OMIM 201450.

Submission:

Myriad Genetics, Inc.
Classification: Pathogenic for Medium-chain acyl-coenzyme A dehydrogenase deficiency. Last evaluated: 2025-11-04. Review status: criteria provided, single submitter. Criteria: Myriad Autosomal Dominant, Autosomal Recessive and X-Linked Classification Criteria (2023). Collection method: clinical testing. Allele origin: unknown.
Comment: NM_000016.4(ACADM):c.645_648delTAAT(N216Kfs*22) is expected to be pathogenic in the context of medium-chain acyl-CoA dehydrogenase deficiency. This variant is predicted to lead to an abnormal or absent protein product due to the creation of a premature termination codon in ACADM, a gene where loss-of-function variants are known to be pathogenic. Please note: this variant was assessed in the context of healthy population screening.

NM_000016.6(ACADM):c.645_648del (p.Asn216fs)

Gene: ACADM (acyl-CoA dehydrogenase medium chain; plus strand). Cytogenetic location: 1p31.1.
Variant type: Deletion.
Coding change: c.645_648del on transcript NM_000016.6 (MANE Select); coding-DNA positions 645 to 648, 4 bases deleted (TAAT; older notation c.645_648delTAAT).
Protein change: p.Asn216fs; shifts the reading frame from asparagine 216.
Molecular consequence: frameshift variant.
Genome position (GRCh38, 1-based): chr1:75,745,851-75,745,854, TAAT deleted. VCF-style (leftmost placement, unchanged base first): chr1-75745850-CTAAT-C. GRCh37 (hg19) VCF-style: chr1-76211535-CTAAT-C.
Other names: c.657_660del, p.Asn220fs (NM_001127328.3); c.537_540del, p.Asn180fs (NM_001286042.2); c.744_747del, p.Asn249fs (NM_001286043.2); c.78_81del, p.Asn27fs (NM_001286044.2); short protein forms N180fs, N216fs, N220fs, N249fs, N27fs.
Identifiers: ClinVar variation 5015170 (VCV005015170.1).